The following is an entry in ClinVar:

ClinVar aggregate classification (germline): Uncertain significance (1 of 4 stars; one submission).

Submission:

Labcorp Genetics (formerly Invitae), Labcorp
Classification: Uncertain significance. Last evaluated: 2022-08-06. Review status: criteria provided, single submitter. Criteria: Invitae Variant Classification Sherloc (09022015). Collection method: clinical testing. Allele origin: germline.
Comment: In summary, the available evidence is currently insufficient to determine the role of this variant in disease. Therefore, it has been classified as a Variant of Uncertain Significance. Algorithms developed to predict the effect of missense changes on protein structure and function output the following: SIFT: "Tolerated"; PolyPhen-2: "Benign"; Align-GVGD: "Class C0". The valine amino acid residue is found in multiple mammalian species, which suggests that this missense change does not adversely affect protein function. This variant has not been reported in the literature in individuals affected with NSUN3-related conditions. This variant is not present in population databases (gnomAD no frequency). This sequence change replaces leucine, which is neutral and non-polar, with valine, which is neutral and non-polar, at codon 168 of the NSUN3 protein (p.Leu168Val).

NM_022072.5(NSUN3):c.502T>G (p.Leu168Val)

Gene: NSUN3 (NOP2/Sun RNA methyltransferase 3; plus strand). Cytogenetic location: 3q11.2.
Variant type: single nucleotide variant.
Coding change: c.502T>G on transcript NM_022072.5 (MANE Select); coding-DNA position 502, T replaced by G.
Protein change: p.Leu168Val; replaces leucine 168 with valine.
Molecular consequence: missense variant.
Genome position (GRCh38, 1-based): chr3:94,094,175, T>G. VCF-style: chr3-94094175-T-G. GRCh37 (hg19) VCF-style: chr3-93813019-T-G.
Other names: short protein forms L168V.
Identifiers: ClinVar variation 2022158 (VCV002022158.4), dbSNP rs2472205060, ClinGen allele CA353705030.